The following continues an entry in ClinVar:

NM_032043.3(BRIP1):c.854A>G (p.His285Arg)

Gene: BRIP1. ClinVar aggregate classification (germline): Conflicting classifications of pathogenicity. Uncertain significance (16); Likely benign (1).

Submissions 11 to 20 of 20:

Myriad Genetics, Inc.
Classification: Uncertain significance for Familial cancer of breast. Last evaluated: 2023-03-01. Review status: criteria provided, single submitter. Criteria: Myriad Autosomal Dominant, Autosomal Recessive and X-Linked Classification Criteria (2023). Collection method: clinical testing. Allele origin: unknown.
Comment: This variant is classified as a variant of uncertain significance as there is insufficient evidence to determine its impact on protein function and/or cancer risk.

National Health Laboratory Service, Universitas Academic Hospital and University of the Free State
Classification: Uncertain significance for Hereditary breast ovarian cancer syndrome. Last evaluated: 2022-04-19. Review status: criteria provided, single submitter. Criteria: ACMG Guidelines, 2015. Collection method: clinical testing. Allele origin: germline. Affected: yes. Observed: 1 variant allele.

Sema4
Classification: Uncertain significance for Hereditary cancer-predisposing syndrome. Last evaluated: 2021-04-19. Review status: criteria provided, single submitter. Criteria: Sema4 Curation Guidelines. Collection method: curation. Allele origin: germline.
Comment: The BRIP1 c.854A>G (p.H285R) variant has been reported in heterozygosity in at least 1 individual with breast cancer (PMID 32959997) and 2 individuals in a cohort of women with breast cancer and controls tested for breast cancer genes (PMID 31871109). This variant was observed in 19/24968 chromosomes of the African/African American subpopulation in the large and broad populations by the Genome Aggregation Database (PMID: 32461654). The variant has been reported in ClinVar (Variation ID 142179). In silico tools suggest the impact of the variant on protein function is inconclusive, though these predictions have not been confirmed by functional studies. The overall evidence is insufficient to meet ACMG/AMP criteria for classifying it as benign or pathogenic. In summary, the clinical significance of this variant is currently uncertain.

Ambry Genetics
Classification: Likely benign for Hereditary cancer-predisposing syndrome. Last evaluated: 2020-11-05. Review status: criteria provided, single submitter. Criteria: Ambry Variant Classification Scheme 2023. Collection method: clinical testing. Allele origin: germline.

Genetic Services Laboratory, University of Chicago
Classification: Uncertain significance. Last evaluated: 2018-12-21. Review status: criteria provided, single submitter. Criteria: ACMG Guidelines, 2015. Collection method: clinical testing. Allele origin: germline. Affected: no.

Mendelics
Classification: Uncertain significance for Fanconi anemia, complementation group J. Last evaluated: 2018-07-02. Review status: criteria provided, single submitter. Criteria: Mendelics Assertion Criteria 2017. Collection method: clinical testing. Allele origin: unknown.

Eurofins Ntd Llc (ga)
Classification: Uncertain significance. Last evaluated: 2018-06-05. Review status: criteria provided, single submitter. Criteria: EGL ClinVar v180209 classification definitions. Collection method: clinical testing. Allele origin: germline. Observed: 1 variant allele, 1 heterozygote.

Counsyl
Classification: Uncertain significance for Fanconi anemia complementation group J. Last evaluated: 2016-10-06. Review status: no assertion criteria provided. Collection method: clinical testing. Allele origin: unknown. Not counted in ClinVar's aggregate classification.

Counsyl
Classification: Uncertain significance for Ovarian cancer. Last evaluated: 2016-10-06. Review status: no assertion criteria provided. Collection method: clinical testing. Allele origin: unknown. Not counted in ClinVar's aggregate classification.

Department of Pathology and Laboratory Medicine, Sinai Health System
Classification: Uncertain significance for Malignant tumor of breast. Review status: no assertion criteria provided. Collection method: clinical testing. Allele origin: unknown. Affected: yes. Study: The Canadian Open Genetics Repository (COGR). Not counted in ClinVar's aggregate classification.
Comment: The BRIP1 p.His285Arg variant was not identified in the literature. The variant was identified in dbSNP (ID: rs141055990) as "With Uncertain significance allele" and ClinVar (classified as uncertain significance by Invitae, Ambry Genetics, GeneDx and four other submitters). The variant was identified in control databases in 19 of 276644 chromosomes at a frequency of 0.00007 (Genome Aggregation Database Feb 27, 2017). The variant was observed in the African population in 19 of 24032 chromosomes (freq: 0.0008), while the variant was not observed in the Other, Latino, European, Ashkenazi Jewish, East Asian, Finnish, or South Asian populations. The p.His285 residue is conserved in mammals and computational analyses (PolyPhen-2, SIFT, AlignGVGD, BLOSUM, MutationTaster) provide inconsistent predictions regarding the impact to the protein; this information is not very predictive of pathogenicity. The variant occurs outside of the splicing consensus sequence and in silico or computational prediction software programs (SpliceSiteFinder, MaxEntScan, NNSPLICE, GeneSplicer) do not predict a difference in splicing. In summary, based on the above information, the clinical significance of this variant cannot be determined with certainty at this time. This variant is classified as a variant of uncertain significance.

Literature cited by the submitters: PubMed 26822149 (cited by Labcorp Genetics (formerly Invitae), Labcorp and Quest Diagnostics Nichols Institute San Juan Capistrano); PubMed 31871109 (cited by 4 submitters); PubMed 32959997 (cited by 6 submitters); PubMed 33471991 (cited by 3 submitters); PubMed 35264596 (cited by Color Diagnostics, LLC DBA Color Health and Quest Diagnostics Nichols Institute San Juan Capistrano); PubMed 38874686 (cited by Quest Diagnostics Nichols Institute San Juan Capistrano); PubMed 32885271 (cited by Quest Diagnostics Nichols Institute San Juan Capistrano); PubMed 25980754 (cited by Ambry Genetics).